The following is an entry in ClinVar:

NM_130384.3(ATRIP):c.2246A>G (p.Asp749Gly)

Genes: ATRIP (ATR interacting protein; plus strand), ATRIP-TREX1 (ATRIP-TREX1 readthrough; plus strand). Cytogenetic location: 3p21.31.
Variant type: single nucleotide variant.
Coding change: c.2246A>G on transcript NM_130384.3 (MANE Select); coding-DNA position 2246, A replaced by G.
Protein change: p.Asp749Gly; replaces aspartic acid 749 with glycine.
Molecular consequence: missense variant. On other transcripts: non-coding transcript variant (1).
Genome position (GRCh38, 1-based): chr3:48,465,021, A>G. VCF-style: chr3-48465021-A-G. GRCh37 (hg19) VCF-style: chr3-48506420-A-G.
Other names: c.1865A>G, p.Asp622Gly (NM_001271022.2); c.1967A>G, p.Asp656Gly (NM_001271023.2); c.2165A>G, p.Asp722Gly (NM_032166.4); short protein forms D622G, D749G, D656G, D722G.
Identifiers: ClinVar variation 3811129 (VCV003811129.1).
Genomic context (GRCh38, chr3:48,465,021, plus strand): 5'-GCCTATCGCAGAAGGACAAGCTCTTCATGATGCACTGCGTGGAGGTCCTGCATCAGTTTG[A>G]CCAGGTGATGCCGGGGGTCAGCATGCTCATCCGAGGGCTTCCTGATGTGACGGACTGTGA-3'
Protein context (NP_569055.1, residues 739-759): MHCVEVLHQF[Asp749Gly]QVMPGVSMLI

ClinVar aggregate classification (germline): Uncertain significance (1 of 4 stars; one submission).

Submission:

Ambry Genetics
Classification: Uncertain significance. Last evaluated: 2025-03-05. Review status: criteria provided, single submitter. Criteria: Ambry Variant Classification Scheme 2023. Collection method: clinical testing. Allele origin: germline.
Comment: The p.D749G variant (also known as c.2246A>G), located in coding exon 12 of the ATRIP gene, results from an A to G substitution at nucleotide position 2246. The aspartic acid at codon 749 is replaced by glycine, an amino acid with similar properties. This amino acid position is conserved. In addition, this alteration is predicted to be deleterious by in silico analysis. Based on the available evidence, the clinical significance of this variant remains unclear.